The following is an entry in ClinVar:

ClinVar aggregate classification (germline): Uncertain significance (1 of 4 stars; one submission).

Conditions:
Glycogen storage disease IXd (GSD9D). Also called: Muscle Phosphorylase Kinase Deficiency; GSD IXd. Identifiers: Orphanet 715, MedGen C1845151, MONDO:0010362, OMIM 300559.

Allele frequency attached by ClinVar (database versions not stated): gnomAD 0.00001; TOPMed 0.00001; gnomAD exomes 0.00002 and 0.00003; ExAC 0.00003.
gnomAD v4.1: 35 of 1,192,632 alleles (0.0029%); highest among the groups gnomAD compares: South Asian, 0.016%; no homozygotes.

Submission:

Labcorp Genetics (formerly Invitae), Labcorp
Classification: Uncertain significance for Glycogen storage disease IXd. Last evaluated: 2025-02-25. Review status: criteria provided, single submitter. Criteria: Invitae Variant Classification Sherloc (09022015). Collection method: clinical testing. Allele origin: germline.
Comment: This sequence change replaces arginine, which is basic and polar, with cysteine, which is neutral and slightly polar, at codon 1056 of the PHKA1 protein (p.Arg1056Cys). This variant is present in population databases (rs782514332, gnomAD 0.004%). This variant has not been reported in the literature in individuals affected with PHKA1-related conditions. ClinVar contains an entry for this variant (Variation ID: 1516077). An algorithm developed to predict the effect of missense changes on protein structure and function (PolyPhen-2) suggests that this variant is likely to be disruptive. In summary, the available evidence is currently insufficient to determine the role of this variant in disease. Therefore, it has been classified as a Variant of Uncertain Significance.

NM_002637.4(PHKA1):c.3166C>T (p.Arg1056Cys)

Gene: PHKA1 (phosphorylase kinase regulatory subunit alpha 1; minus strand). Cytogenetic location: Xq13.1.
Variant type: single nucleotide variant.
Coding change: c.3166C>T on transcript NM_002637.4 (MANE Select); coding-DNA position 3166, C replaced by T.
Protein change: p.Arg1056Cys; replaces arginine 1056 with cysteine.
Molecular consequence: missense variant.
Genome position (GRCh38, 1-based): chrX:72,593,181, G>A on the plus strand (C>T on the coding strand, the complement: PHKA1 is on the minus strand). VCF-style: chrX-72593181-G-A. GRCh37 (hg19) VCF-style: chrX-71813031-G-A.
Other names: c.3127C>T, p.Arg1043Cys (NM_001122670.2); c.2950C>T, p.Arg984Cys (NM_001172436.2); short protein forms R984C, R1056C, R1043C.
Identifiers: ClinVar variation 1516077 (VCV001516077.8), dbSNP rs782514332, ClinGen allele CA10450515.